The following is an entry in ClinVar:

NM_000260.4(MYO7A):c.788del (p.Ser263fs)

Gene: MYO7A (myosin VIIA; plus strand). Cytogenetic location: 11q13.5.
Variant type: Deletion.
Coding change: c.788del on transcript NM_000260.4 (MANE Select); coding-DNA position 788, one base deleted (G; older notation c.788delG).
Protein change: p.Ser263fs; shifts the reading frame from serine 263.
Molecular consequence: frameshift variant.
Genome position (GRCh38, 1-based): chr11:77,157,331, G deleted. VCF-style (leftmost placement, unchanged base first): chr11-77157330-AG-A. GRCh37 (hg19) VCF-style: chr11-76868376-AG-A.
Other names: c.788del, p.Ser263fs (NM_001127180.2); c.755del, p.Ser252fs (NM_001369365.1); short protein forms S252fs, S263fs.
Identifiers: ClinVar variation 3601503 (VCV003601503.1).
Genomic context (GRCh38, chr11:77,157,330, plus strand): 5'-CATTTTCAGGCCCTGGATGAAAGGAACTACCACGTGTTCTACTGCATGCTGGAGGGTATG[AG>A]TGAGGATCAGAAGAAGAAGCTGGGCTTGGGCCAGGCCTCTGACTACAACTACTTGGCCAT-3'

ClinVar aggregate classification (germline): Pathogenic (1 of 4 stars; one submission).

Conditions:
Autosomal recessive nonsyndromic hearing loss 2. Also called: NEUROSENSORY NONSYNDROMIC RECESSIVE DEAFNESS 2; DEAFNESS, AUTOSOMAL RECESSIVE 2. Identifiers: Orphanet 90636, MedGen C1838701, MONDO:0010807, OMIM 600060.

Submission:

Institute of Rare Diseases, West China Hospital, Sichuan University
Classification: Pathogenic for Autosomal recessive nonsyndromic hearing loss 2. Last evaluated: 2025-01-09. Review status: criteria provided, single submitter. Criteria: ClinGen HL ACMG Specifications v1. Collection method: research. Allele origin: germline. Affected: yes.
Comment: PVS1;PM3;PM2_Supporting